The following is an entry in ClinVar:

ClinVar aggregate classification (germline): Pathogenic (1 of 4 stars; one submission).

Conditions:
DYRK1A-related intellectual disability syndrome (MRD7). Also called: DYRK1A Syndrome; Intellectual developmental disorder, autosomal dominant 7. Identifiers: Orphanet 464306, MedGen C5568143, MONDO:0013578, OMIM 614104.

Submission:

Institute of Human Genetics, University of Leipzig Medical Center
Classification: Pathogenic for DYRK1A-related intellectual disability syndrome. Last evaluated: 2020-03-01. Review status: criteria provided, single submitter. Criteria: ACMG Guidelines, 2015. Collection method: clinical testing. Allele origin: de novo. Inheritance: Autosomal dominant inheritance. Affected: yes.
Comment: Review of the variants reported in Reuter et al., 2017, PMID: 28097321: PVS1,PS2,PM2

NM_001347721.2(DYRK1A):c.687del (p.Phe229fs)

Gene: DYRK1A (dual specificity tyrosine phosphorylation regulated kinase 1A; plus strand). Cytogenetic location: 21q22.13.
Variant type: Deletion.
Coding change: c.687del on transcript NM_001347721.2 (MANE Select); coding-DNA position 687, one base deleted (T; older notation c.687delT).
Protein change: p.Phe229fs; shifts the reading frame from phenylalanine 229.
Molecular consequence: frameshift variant.
Genome position (GRCh38, 1-based): chr21:37,490,224, T deleted; the last of 5 consecutive T bases (chr21:37,490,220-37,490,224); deleting any one gives the same sequence. VCF-style (leftmost placement, unchanged base first): chr21-37490219-GT-G. GRCh37 (hg19) VCF-style: chr21-38862521-GT-G.
Other names: c.687del, p.Phe229fs (NM_001347722.2, NM_130436.2); c.600del, p.Phe200fs (NM_001347723.2); c.714del, p.Phe238fs (NM_001396.5, NM_101395.2, NM_130438.2); short protein forms F200fs, F229fs, F238fs.
Identifiers: ClinVar variation 984713 (VCV000984713.1), dbSNP rs2053036372, ClinGen allele CA1139666872.